The following is an entry in ClinVar:

NM_001098511.3(KIF2A):c.2129A>G (p.Asp710Gly)

Gene: KIF2A (kinesin family member 2A; plus strand). Cytogenetic location: 5q12.1.
Variant type: single nucleotide variant.
Coding change: c.2129A>G on transcript NM_001098511.3 (MANE Select); coding-DNA position 2129, A replaced by G.
Protein change: p.Asp710Gly; replaces aspartic acid 710 with glycine.
Molecular consequence: missense variant.
Genome position (GRCh38, 1-based): chr5:62,381,233, A>G. VCF-style: chr5-62381233-A-G. GRCh37 (hg19) VCF-style: chr5-61677060-A-G.
Other names: c.1934A>G, p.Asp645Gly (NM_001243952.2); c.1958A>G, p.Asp653Gly (NM_001243953.2); c.2015A>G, p.Asp672Gly (NM_004520.5); short protein forms D672G, D710G, D653G, D645G.
Identifiers: ClinVar variation 3688885 (VCV003688885.2).

ClinVar aggregate classification (germline): Uncertain significance (1 of 4 stars; one submission).

Submission:

Labcorp Genetics (formerly Invitae), Labcorp
Classification: Uncertain significance. Last evaluated: 2024-11-13. Review status: criteria provided, single submitter. Criteria: Invitae Variant Classification Sherloc (09022015). Collection method: clinical testing. Allele origin: germline.
Comment: This sequence change replaces aspartic acid, which is acidic and polar, with glycine, which is neutral and non-polar, at codon 710 of the KIF2A protein (p.Asp710Gly). This variant is not present in population databases (gnomAD no frequency). This variant has not been reported in the literature in individuals affected with KIF2A-related conditions. An algorithm developed to predict the effect of missense changes on protein structure and function (PolyPhen-2) suggests that this variant is likely to be disruptive. In summary, the available evidence is currently insufficient to determine the role of this variant in disease. Therefore, it has been classified as a Variant of Uncertain Significance.